The following is an entry in ClinVar:

ClinVar aggregate classification (germline): Likely benign (0 of 4 stars; one submission).

Conditions:
KCNQ3-related disorder. Also called: KCNQ3-Related Disorders; KCNQ3-related condition. Identifiers: MedGen CN381530.

Submission:

PreventionGenetics, part of Exact Sciences
Classification: Likely benign for KCNQ3-related condition. Last evaluated: 2022-05-24. Review status: no assertion criteria provided. Collection method: clinical testing. Allele origin: germline.
Comment: This variant is classified as likely benign based on ACMG/AMP sequence variant interpretation guidelines (Richards et al. 2015 PMID: 25741868, with internal and published modifications).

NM_004519.4(KCNQ3):c.-148_-147insTGG

Gene: KCNQ3 (potassium voltage-gated channel subfamily Q member 3; minus strand). Cytogenetic location: 8q24.22.
Variant type: Insertion.
Coding change: c.-148_-147insTGG on transcript NM_004519.4 (MANE Select); 148 bases upstream of the start codon through 147 bases upstream of the start codon, TGG inserted.
Molecular consequence: 5 prime UTR variant.
Genome position: GRCh38 VCF-style: chr8-132480679-C-CCCA. GRCh37 (hg19) VCF-style: chr8-133492926-C-CCCA.
Identifiers: ClinVar variation 3029775 (VCV003029775.2), dbSNP rs886062698, ClinGen allele CA585250614.